The following is an entry in ClinVar:

ClinVar aggregate classification (germline): Uncertain significance (1 of 4 stars; one submission).

gnomAD v4.1: 2 of 1,614,152 alleles (0.00012%); highest among the groups gnomAD compares: African/African-American, 0.0013%; no homozygotes.

Submission:

Labcorp Genetics (formerly Invitae), Labcorp
Classification: Uncertain significance. Last evaluated: 2024-05-27. Review status: criteria provided, single submitter. Criteria: Invitae Variant Classification Sherloc (09022015). Collection method: clinical testing. Allele origin: germline.
Comment: This sequence change replaces threonine, which is neutral and polar, with methionine, which is neutral and non-polar, at codon 396 of the MAST1 protein (p.Thr396Met). This variant is not present in population databases (gnomAD no frequency). This variant has not been reported in the literature in individuals affected with MAST1-related conditions. An algorithm developed to predict the effect of missense changes on protein structure and function (PolyPhen-2) suggests that this variant is likely to be tolerated. In summary, the available evidence is currently insufficient to determine the role of this variant in disease. Therefore, it has been classified as a Variant of Uncertain Significance.

NM_014975.3(MAST1):c.1187C>T (p.Thr396Met)

Gene: MAST1 (microtubule associated serine/threonine kinase 1; plus strand). Cytogenetic location: 19p13.13.
Variant type: single nucleotide variant.
Coding change: c.1187C>T on transcript NM_014975.3 (MANE Select); coding-DNA position 1187, C replaced by T.
Protein change: p.Thr396Met; replaces threonine 396 with methionine.
Molecular consequence: missense variant.
Genome position (GRCh38, 1-based): chr19:12,858,560, C>T. VCF-style: chr19-12858560-C-T. GRCh37 (hg19) VCF-style: chr19-12969374-C-T.
Other names: short protein forms T396M.
Identifiers: ClinVar variation 3674362 (VCV003674362.2).